The following is an entry in ClinVar:

NM_005862.3(STAG1):c.2312C>A (p.Ser771Tyr)

Gene: STAG1 (STAG1 cohesin complex component; minus strand). Cytogenetic location: 3q22.3.
Variant type: single nucleotide variant.
Coding change: c.2312C>A on transcript NM_005862.3 (MANE Select); coding-DNA position 2312, C replaced by A.
Protein change: p.Ser771Tyr; replaces serine 771 with tyrosine.
Molecular consequence: missense variant.
Genome position (GRCh38, 1-based): chr3:136,377,718, G>T on the plus strand (C>A on the coding strand, the complement: STAG1 is on the minus strand). VCF-style: chr3-136377718-G-T. GRCh37 (hg19) VCF-style: chr3-136096560-G-T.
Other names: short protein forms S771Y.
Identifiers: ClinVar variation 2113500 (VCV002113500.4), dbSNP rs372353982, ClinGen allele CA2632608.
Genomic context (GRCh38, chr3:136,377,718, plus strand): 5'-ACCTGTTCTTTCACTGGAGTATTAACATTAGACAGGCACTGCTGGCAAACAGCCAAAAAG[G>T]ATTTCACCGTTTTCCTCAATACCAACAAATCCTCCTGTAAGACACATTCAAATTTGCAAG-3'
Protein context (NP_005853.2, residues 761-781): DLLVLRKTVK[Ser771Tyr]FLAVCQQCLS

ClinVar aggregate classification (germline): Uncertain significance (1 of 4 stars; one submission).

Allele frequency attached by ClinVar (database versions not stated): gnomAD exomes 0.00001; ExAC 0.00002; gnomAD 0.00004; TOPMed 0.00004; ESP Exome Variant Server 0.00008.
gnomAD v4.1: 18 of 1,613,854 alleles (0.0011%); highest among the groups gnomAD compares: African/African-American, 0.023%; no homozygotes.

Submission:

Labcorp Genetics (formerly Invitae), Labcorp
Classification: Uncertain significance. Last evaluated: 2022-03-18. Review status: criteria provided, single submitter. Criteria: Invitae Variant Classification Sherloc (09022015). Collection method: clinical testing. Allele origin: germline.
Comment: In summary, the available evidence is currently insufficient to determine the role of this variant in disease. Therefore, it has been classified as a Variant of Uncertain Significance. Advanced modeling of protein sequence and biophysical properties (such as structural, functional, and spatial information, amino acid conservation, physicochemical variation, residue mobility, and thermodynamic stability) performed at Invitae indicates that this missense variant is not expected to disrupt STAG1 protein function. This variant has not been reported in the literature in individuals affected with STAG1-related conditions. This variant is present in population databases (rs372353982, gnomAD 0.02%). This sequence change replaces serine, which is neutral and polar, with tyrosine, which is neutral and polar, at codon 771 of the STAG1 protein (p.Ser771Tyr).